The following is an entry in ClinVar:

ClinVar aggregate classification (germline): Likely benign (0 of 4 stars; one submission).

Conditions:
A2ML1-related disorder. Also called: A2ML1-related condition.

Allele frequency attached by ClinVar (database versions not stated): gnomAD exomes below 0.00001.
gnomAD v4.1: 2 of 1,614,092 alleles (0.00012%); highest among the groups gnomAD compares: South Asian, 0.0022%; no homozygotes.

Submission:

PreventionGenetics, part of Exact Sciences
Classification: Likely benign for A2ML1-related condition. Last evaluated: 2021-01-19. Review status: no assertion criteria provided. Collection method: clinical testing. Allele origin: germline.
Comment: This variant is classified as likely benign based on ACMG/AMP sequence variant interpretation guidelines (Richards et al. 2015 PMID: 25741868, with internal and published modifications).

NM_144670.6(A2ML1):c.1455A>G (p.Gln485=)

Gene: A2ML1 (alpha-2-macroglobulin like 1; plus strand). Cytogenetic location: 12p13.31.
Variant type: single nucleotide variant.
Coding change: c.1455A>G on transcript NM_144670.6 (MANE Select); coding-DNA position 1455, A replaced by G.
Protein change: p.Gln485=; no amino-acid change (glutamine 485 retained).
Molecular consequence: synonymous variant.
Genome position (GRCh38, 1-based): chr12:8,843,340, A>G. VCF-style: chr12-8843340-A-G. GRCh37 (hg19) VCF-style: chr12-8995936-A-G.
Identifiers: ClinVar variation 3031170 (VCV003031170.2), dbSNP rs2539226286, ClinGen allele CA478530665.